The following is an entry in ClinVar:

NM_003597.5(KLF11):c.949A>G (p.Ile317Val)

Gene: KLF11 (KLF transcription factor 11; plus strand). Cytogenetic location: 2p25.1.
Variant type: single nucleotide variant.
Coding change: c.949A>G on transcript NM_003597.5 (MANE Select); coding-DNA position 949, A replaced by G.
Protein change: p.Ile317Val; replaces isoleucine 317 with valine.
Molecular consequence: missense variant.
Genome position (GRCh38, 1-based): chr2:10,048,286, A>G. VCF-style: chr2-10048286-A-G. GRCh37 (hg19) VCF-style: chr2-10188413-A-G.
Other names: c.898A>G, p.Ile300Val (NM_001177716.2, NM_001177718.2); short protein forms I317V, I300V.
Identifiers: ClinVar variation 4709353 (VCV004709353.1).

ClinVar aggregate classification (germline): Uncertain significance (1 of 4 stars; one submission).

gnomAD v4.1: 4 of 1,602,990 alleles (0.00025%); highest among the groups gnomAD compares: Admixed American, 0.005%; no homozygotes.

Submission:

Labcorp Genetics (formerly Invitae), Labcorp
Classification: Uncertain significance. Last evaluated: 2025-10-21. Review status: criteria provided, single submitter. Criteria: Invitae Variant Classification Sherloc (09022015). Collection method: clinical testing. Allele origin: germline.
Comment: This sequence change replaces isoleucine, which is neutral and non-polar, with valine, which is neutral and non-polar, at codon 317 of the KLF11 protein (p.Ile317Val). This variant is present in population databases (rs772337993, gnomAD 0.009%). This variant has not been reported in the literature in individuals affected with KLF11-related conditions. An algorithm developed to predict the effect of missense changes on protein structure and function outputs the following: PolyPhen-2: "Benign". The valine amino acid residue is found in multiple mammalian species, which suggests that this missense change does not adversely affect protein function. In summary, the available evidence is currently insufficient to determine the role of this variant in disease. Therefore, it has been classified as a Variant of Uncertain Significance.